The following is an entry in ClinVar:

NM_004100.5(EYA4):c.-326C>G

Gene: EYA4 (EYA transcriptional coactivator and phosphatase 4; plus strand). Cytogenetic location: 6q23.2.
Variant type: single nucleotide variant.
Coding change: c.-326C>G on transcript NM_004100.5 (MANE Select); 326 bases upstream of the start codon, C replaced by G.
Molecular consequence: 5 prime UTR variant.
Genome position (GRCh38, 1-based): chr6:133,241,489, C>G. VCF-style: chr6-133241489-C-G. GRCh37 (hg19) VCF-style: chr6-133562627-C-G.
Other names: c.-326C>G (NM_001301012.2, NM_001301013.2, NM_001370458.1 and 3 more transcripts).
Identifiers: ClinVar variation 905364 (VCV000905364.4), dbSNP rs117602794, ClinGen allele CA148375630.
Genomic context (GRCh38, chr6:133,241,489, plus strand): 5'-GGGAGTGACGACTGCGGCGGCTGGGCGCGCTCTCTCATTTTCTTTTCTTCTCCTTTCCCC[C>G]CTGTCGCAGTCCGGAGTTTTGGCTCCTCTCCTTTCCTCCTCCCCCTCGGAGCCGGCTTCT-3'

ClinVar aggregate classification (germline): Benign/Likely benign. Review status: criteria provided, single submitter (1 of 4 stars). 2 submissions from 1 submitter: Benign (1); Likely benign (1). Last evaluated 2018-01-12.

Conditions:
Dilated cardiomyopathy 1J (CMD1J). Also called: CARDIOMYOPATHY, DILATED, WITH SENSORINEURAL HEARING LOSS, AUTOSOMAL DOMINANT. Identifiers: Orphanet 217622, MedGen C1854368, MONDO:0011541, OMIM 605362.
Autosomal dominant nonsyndromic hearing loss 10. Identifiers: Orphanet 90635, MedGen C1832476, MONDO:0011031, OMIM 601316.

Allele frequency attached by ClinVar (database versions not stated): 1000 Genomes Project 0.00679; 1000 Genomes Project 30x 0.00718; TOPMed 0.01134.

Submissions (2):

Illumina Laboratory Services, Illumina
Classification: Likely benign for Dilated cardiomyopathy 1J. Last evaluated: 2018-01-12. Review status: criteria provided, single submitter. Criteria: ICSL Variant Classification Criteria 13 December 2019. Collection method: clinical testing. Allele origin: germline.
Comment: This variant was observed in the ICSL laboratory as part of a predisposition screen in an ostensibly healthy population. It had not been previously curated by ICSL or reported in the Human Gene Mutation Database (HGMD: prior to June 1st, 2018), and was therefore a candidate for classification through an automated scoring system. Utilizing variant allele frequency, disease prevalence and penetrance estimates, and inheritance mode, an automated score was calculated to assess if this variant is too frequent to cause the disease. Based on the score and internal cut-off values, a variant classified as likely benign is not then subjected to further curation. The score for this variant resulted in a classification of likely benign for this disease.

Illumina Laboratory Services, Illumina
Classification: Benign for Autosomal dominant nonsyndromic hearing loss 10. Last evaluated: 2018-01-12. Review status: criteria provided, single submitter. Criteria: ICSL Variant Classification Criteria 13 December 2019. Collection method: clinical testing. Allele origin: germline.
Comment: This variant was observed in the ICSL laboratory as part of a predisposition screen in an ostensibly healthy population. It had not been previously curated by ICSL or reported in the Human Gene Mutation Database (HGMD: prior to June 1st, 2018), and was therefore a candidate for classification through an automated scoring system. Utilizing variant allele frequency, disease prevalence and penetrance estimates, and inheritance mode, an automated score was calculated to assess if this variant is too frequent to cause the disease. Based on the score and internal cut-off values, a variant classified as benign is not then subjected to further curation. The score for this variant resulted in a classification of benign for this disease.